The following is an entry in ClinVar:

ClinVar aggregate classification (germline): Pathogenic (1 of 4 stars; one submission).

Conditions:
UROD-related disorder. Also called: UROD-related condition; UROD-related disorders.

Submission:

PreventionGenetics, part of Exact Sciences
Classification: Pathogenic for UROD-related condition. Last evaluated: 2023-04-27. Review status: criteria provided, single submitter. Criteria: ACMG Guidelines, 2015. Collection method: clinical testing. Allele origin: germline.
Comment: The UROD c.943-1G>A variant is predicted to disrupt the AG splice acceptor site and interfere with normal splicing. To our knowledge, this variant has not been reported in the literature or in a large population database, indicating this variant is rare. A different nucleotide substitution at the same location, c.943-1G>C (reported as IVS9-1G>C) has previously been reported to be pathogenic (Mendez et al 2000. PubMed ID: 10980536). Variants that disrupt the consensus splice acceptor site in UROD are expected to be pathogenic. This variant is interpreted as pathogenic.

NM_000374.5(UROD):c.943-1G>A

Gene: UROD (uroporphyrinogen decarboxylase; plus strand). Cytogenetic location: 1p34.1.
Variant type: single nucleotide variant.
Coding change: c.943-1G>A on transcript NM_000374.5 (MANE Select); the canonical splice acceptor site of the intron before coding-DNA position 943, G replaced by A.
Molecular consequence: splice acceptor variant.
Genome position (GRCh38, 1-based): chr1:45,015,336, G>A. VCF-style: chr1-45015336-G-A. GRCh37 (hg19) VCF-style: chr1-45481008-G-A.
Identifiers: ClinVar variation 2633059 (VCV002633059.1), dbSNP rs2522927425, ClinGen allele CA340120605.